The following is an entry in ClinVar:

ClinVar aggregate classification (germline): Uncertain significance (1 of 4 stars; one submission).

Allele frequency attached by ClinVar (database versions not stated): gnomAD 0.00003.
gnomAD v4.1: 13 of 1,461,908 alleles (0.00089%); highest among the groups gnomAD compares: African/African-American, 0.003%; no homozygotes.

Submission:

Labcorp Genetics (formerly Invitae), Labcorp
Classification: Uncertain significance. Last evaluated: 2022-08-05. Review status: criteria provided, single submitter. Criteria: Invitae Variant Classification Sherloc (09022015). Collection method: clinical testing. Allele origin: germline.
Comment: This sequence change falls in intron 1 of the RXYLT1 gene. It does not directly change the encoded amino acid sequence of the RXYLT1 protein. This variant is not present in population databases (gnomAD no frequency). This variant has not been reported in the literature in individuals affected with RXYLT1-related conditions. Algorithms developed to predict the effect of sequence changes on RNA splicing suggest that this variant may create or strengthen a splice site. In summary, the available evidence is currently insufficient to determine the role of this variant in disease. Therefore, it has been classified as a Variant of Uncertain Significance.

NM_014254.3(RXYLT1):c.169+13C>A

Gene: RXYLT1 (ribitol xylosyltransferase 1; plus strand). Cytogenetic location: 12q14.2.
Variant type: single nucleotide variant.
Coding change: c.169+13C>A on transcript NM_014254.3 (MANE Select); 13 bases into the intron after coding-DNA position 169, C replaced by A.
Molecular consequence: intron variant. On other transcripts: 5 prime UTR variant (1).
Genome position (GRCh38, 1-based): chr12:63,780,142, C>A. VCF-style: chr12-63780142-C-A. GRCh37 (hg19) VCF-style: chr12-64173922-C-A.
Other names: c.-932C>A (NM_001278237.2).
Identifiers: ClinVar variation 2042306 (VCV002042306.1), dbSNP rs907884905, ClinGen allele CA238223459.
Genomic context (GRCh38, chr12:63,780,142, plus strand): 5'-GGGGCCTCAGGAAGGGGGCGGCCCCCGCGCGGGAGAGACGCGGCCGAGGTAGGACTGGGT[C>A]GGCGGCTTCCTTCCGGCTCTGCGCTCCTGGCTGGGGCTGCTGGGCGGCTGGGGCCGGGTC-3'